The following is an entry in ClinVar:

NM_000051.4(ATM):c.6095+8G>T

Genes: C11orf65 (chromosome 11 open reading frame 65; minus strand), ATM (ATM serine/threonine kinase; plus strand). Cytogenetic location: 11q22.3.
Variant type: single nucleotide variant.
Coding change: c.6095+8G>T on transcript NM_000051.4 (MANE Select); 8 bases into the intron after coding-DNA position 6095, G replaced by T.
Molecular consequence: intron variant.
Genome position (GRCh38, 1-based): chr11:108,315,919, G>T. VCF-style: chr11-108315919-G-T. GRCh37 (hg19) VCF-style: chr11-108186646-G-T.
Other names: c.6095+8G>T (NM_001351834.2); c.641-6848C>A (NM_001330368.2); c.*39-6848C>A (NM_001351110.2).
Identifiers: ClinVar variation 236746 (VCV000236746.16), dbSNP rs547072690, ClinGen allele CA6265845.

ClinVar aggregate classification (germline): Likely benign. Review status: criteria provided, multiple submitters, no conflicts (2 of 4 stars). 4 submissions from 4 submitters: Likely benign (4). Last evaluated 2026-01-27.

Conditions:
Hereditary cancer-predisposing syndrome. Also called: Neoplastic Syndromes, Hereditary; Hereditary neoplastic syndrome; Tumor predisposition; Hereditary Cancer Syndrome. Identifiers: Orphanet 140162, MedGen C0027672, MeSH D009386, MONDO:0015356.
Familial cancer of breast. Also called: hereditary breast carcinoma; Hereditary breast cancer; BREAST CANCER, FAMILIAL. Identifiers: Orphanet 227535, MedGen C0346153, MONDO:0016419, OMIM 114480. Disease mechanism: loss of function.
Ataxia-telangiectasia syndrome (AT). Also called: Ataxia telangiectasia (A-T); Cerebello-oculocutaneous telangiectasia; Immunodeficiency with ataxia telangiectasia; LOUIS-BAR SYNDROME; AT, COMPLEMENTATION GROUP C; ATAXIA-TELANGIECTASIA, FRESNO VARIANT. Identifiers: Orphanet 100, MedGen C0004135, MONDO:0008840, OMIM 208900.

Allele frequency attached by ClinVar (database versions not stated): ExAC 0.00002; gnomAD exomes 0.00002 and below 0.00001; gnomAD 0.00003 and 0.00001; TOPMed 0.00001.
gnomAD v4.1: 7 of 1,609,504 alleles (0.00043%); highest among the groups gnomAD compares: East Asian, 0.016%; no homozygotes.

Submissions (4):

Labcorp Genetics (formerly Invitae), Labcorp
Classification: Likely benign for Ataxia-telangiectasia syndrome. Last evaluated: 2026-01-27. Review status: criteria provided, single submitter. Criteria: Invitae Variant Classification Sherloc (09022015). Collection method: clinical testing. Allele origin: germline.

Myriad Genetics, Inc.
Classification: Likely benign for Familial cancer of breast. Last evaluated: 2024-06-03. Review status: criteria provided, single submitter. Criteria: Myriad Autosomal Dominant, Autosomal Recessive and X-Linked Classification Criteria (2023). Collection method: clinical testing. Allele origin: unknown.
Comment: This variant is considered likely benign. This variant is intronic and is not expected to impact mRNA splicing.

Women's Health and Genetics/Laboratory Corporation of America, LabCorp
Classification: Likely benign. Last evaluated: 2020-07-10. Review status: criteria provided, single submitter. Criteria: LabCorp Variant Classification Summary - May 2015. Collection method: clinical testing. Allele origin: germline.
Comment: Variant summary: ATM c.6095+8G>T alters a non-conserved nucleotide located close to a canonical splice site and therefore could affect mRNA splicing, leading to a significantly altered protein sequence. 4/4 computational tools predict no significant impact on normal splicing. However, these predictions have yet to be confirmed by functional studies. The variant allele was found at a frequency of 2.4e-05 in 251390 control chromosomes. The available data on variant occurrences in the general population are insufficient to allow any conclusion about variant significance. To our knowledge, no occurrence of c.6095+8G>T in individuals affected with Breast Cancer and no experimental evidence demonstrating its impact on protein function have been reported. Two clinical diagnostic laboratories have submitted clinical-significance assessments for this variant to ClinVar after 2014 without evidence for independent evaluation. All laboratories classified the variant as likely benign. Based on the evidence outlined above, the variant was classified as likely benign.

Color Diagnostics, LLC DBA Color Health
Classification: Likely benign for Hereditary cancer-predisposing syndrome. Last evaluated: 2015-04-24. Review status: criteria provided, single submitter. Criteria: ACMG Guidelines, 2015. Collection method: clinical testing. Allele origin: germline.